The following is an entry in ClinVar:

NM_001148.6(ANK2):c.2945G>A (p.Arg982Gln)

Gene: ANK2 (ankyrin 2; plus strand). Cytogenetic location: 4q26.
Variant type: single nucleotide variant.
Coding change: c.2945G>A on transcript NM_001148.6 (MANE Select); coding-DNA position 2945, G replaced by A.
Protein change: p.Arg982Gln; replaces arginine 982 with glutamine.
Molecular consequence: missense variant.
Genome position (GRCh38, 1-based): chr4:113,330,290, G>A. VCF-style: chr4-113330290-G-A. GRCh37 (hg19) VCF-style: chr4-114251446-G-A.
Other names: c.2783G>A, p.Arg928Gln (NM_001354257.2, NM_001386156.1); c.2945G>A, p.Arg982Gln (NM_001354258.2, NM_001354228.2, NM_020977.5); c.2759G>A, p.Arg920Gln (NM_001354260.2, NM_001354271.2, NM_001386151.1); c.2903G>A, p.Arg968Gln (NM_001354261.2, NM_001386147.1); c.2882G>A, p.Arg961Gln (NM_001354262.2, NM_001386143.1, NM_001354243.2 and 3 more transcripts); c.2858G>A, p.Arg953Gln (NM_001354264.2, NM_001354266.2, NM_001354267.2 and 7 more transcripts); c.2942G>A, p.Arg981Gln (NM_001354265.2, NM_001354235.2, NM_001354236.2 and 1 more transcripts); c.2846G>A, p.Arg949Gln (NM_001354268.2); and 23 more; short protein forms R973Q, R982Q, R191Q, R953Q, R968Q, R972Q, R996Q, R928Q.
Identifiers: ClinVar variation 238575 (VCV000238575.7), dbSNP rs769214999, ClinGen allele CA3050749.
Genomic context (GRCh38, chr4:113,330,290, plus strand): 5'-CTATTTTAATTTTTAGTTTCCTGGTTAGTTTTATGGTGGATGCCCGAGGTGGTGCTATGC[G>A]AGGATGCAGACACAATGGGCTCCGAATCATTATTCCACCTCGGAAATGTACTGCTCCAAC-3'
Protein context (NP_001139.3, residues 972-992): FMVDARGGAM[Arg982Gln]GCRHNGLRII

ClinVar aggregate classification (germline): Uncertain significance. Review status: criteria provided, multiple submitters, no conflicts (2 of 4 stars). 3 submissions from 3 submitters: Uncertain significance (3). Last evaluated 2026-08-11.

Conditions:
Cardiovascular phenotype. Identifiers: MedGen CN230736.
Long QT syndrome (LQTS). Identifiers: MedGen C0023976, MeSH D008133, MONDO:0002442. Disease mechanism: loss of function. Inheritance: Various modes of inheritance.
Cardiac arrhythmia, ankyrin-B-related. Also called: ANKYRIN-B SYNDROME. Identifiers: Orphanet 101016, Orphanet 768, MedGen C1970119, MONDO:0010958, OMIM 600919.

Allele frequency attached by ClinVar (database versions not stated): TOPMed 0.00002; gnomAD exomes 0.00010 and 0.00002; ExAC 0.00002; gnomAD 0.00002.
gnomAD v4.1: 152 of 1,614,050 alleles (0.0094%); highest among the groups gnomAD compares: Non-Finnish European, 0.012%; no homozygotes.

Submissions (3):

Ambry Genetics
Classification: Uncertain significance for Cardiovascular phenotype. Last evaluated: 2026-08-11. Review status: criteria provided, single submitter. Criteria: Ambry Variant Classification Scheme 2023. Collection method: clinical testing. Allele origin: germline.
Comment: The p.R982Q variant (also known as c.2945G>A), located in coding exon 27 of the ANK2 gene, results from a G to A substitution at nucleotide position 2945. The arginine at codon 982 is replaced by glutamine, an amino acid with highly similar properties. This variant was reported in a neurodevelopmental disorders cohort; however, details were limited (Wang T et al. Nat Commun, 2020 Oct;11:4932). Note, this variant is also referred to as XM_005262941.1:c.3041G>A, p.Arg1014Gln in the literature. This amino acid position is highly conserved in available vertebrate species. In addition, this alteration is predicted to be deleterious by in silico analysis. Based on the available evidence, the clinical significance of this variant remains unclear.

Labcorp Genetics (formerly Invitae), Labcorp
Classification: Uncertain significance for Long QT syndrome. Last evaluated: 2024-09-06. Review status: criteria provided, single submitter. Criteria: Invitae Variant Classification Sherloc (09022015). Collection method: clinical testing. Allele origin: germline.
Comment: This sequence change replaces arginine, which is basic and polar, with glutamine, which is neutral and polar, at codon 982 of the ANK2 protein (p.Arg982Gln). This variant is present in population databases (rs769214999, gnomAD 0.004%). This missense change has been observed in individual(s) with neurodevelopmental disorder (PMID: 33004838). This variant is also known as c.3041G>A, p.Arg1014Gln. ClinVar contains an entry for this variant (Variation ID: 238575). Invitae Evidence Modeling of protein sequence and biophysical properties (such as structural, functional, and spatial information, amino acid conservation, physicochemical variation, residue mobility, and thermodynamic stability) indicates that this missense variant is not expected to disrupt ANK2 protein function with a negative predictive value of 80%. In summary, the available evidence is currently insufficient to determine the role of this variant in disease. Therefore, it has been classified as a Variant of Uncertain Significance.

Fulgent Genetics
Classification: Uncertain significance for Cardiac arrhythmia, ankyrin-B-related. Last evaluated: 2021-07-01. Review status: criteria provided, single submitter. Criteria: ACMG Guidelines, 2015. Collection method: clinical testing. Allele origin: unknown.

Literature cited by the submitters: PubMed 33004838 (cited by Ambry Genetics and Labcorp Genetics (formerly Invitae), Labcorp).